The following is an entry in ClinVar:

ClinVar aggregate classification (germline): Pathogenic (1 of 4 stars; one submission).

Submission:

GeneDx
Classification: Pathogenic. Last evaluated: 2025-08-13. Review status: criteria provided, single submitter. Criteria: GeneDx Variant Classification Process June 2021. Collection method: clinical testing. Allele origin: germline. Affected: yes.
Comment: Not observed at significant frequency in large population cohorts (gnomAD); In silico analysis supports that this missense variant has a deleterious effect on protein structure/function; This variant is associated with the following publications: (PMID: 12960217, 18719607, 10835628, 11114740)

NM_182925.5(FLT4):c.2797G>C (p.Gly933Arg)

Gene: FLT4 (fms related receptor tyrosine kinase 4; minus strand). Cytogenetic location: 5q35.3.
Variant type: single nucleotide variant.
Coding change: c.2797G>C on transcript NM_182925.5 (MANE Select); coding-DNA position 2797, G replaced by C.
Protein change: p.Gly933Arg; replaces glycine 933 with arginine.
Molecular consequence: missense variant.
Genome position (GRCh38, 1-based): chr5:180,619,074, C>G on the plus strand (G>C on the coding strand, the complement: FLT4 is on the minus strand). VCF-style: chr5-180619074-C-G. GRCh37 (hg19) VCF-style: chr5-180046074-C-G.
Other names: c.2797G>C, p.Gly933Arg (NM_001354989.2, NM_002020.5); short protein forms G933R.
Identifiers: ClinVar variation 4795366 (VCV004795366.1).